The following is an entry in ClinVar:

ClinVar aggregate classification (germline): Uncertain significance. Review status: criteria provided, multiple submitters, no conflicts (2 of 4 stars). 2 submissions from 2 submitters: Uncertain significance (2). Last evaluated 2025-02-09.

Conditions:
Inborn genetic diseases. Identifiers: MedGen C0950123, MeSH D030342.
Fanconi anemia (FA). Also called: Fanconi's anemia. Identifiers: Orphanet 84, MedGen C0015625, MeSH D005199, MONDO:0019391.

gnomAD v4.1: 2 of 1,614,004 alleles (0.00012%); highest among the groups gnomAD compares: East Asian, 0.0045%; no homozygotes.

Submissions (2):

Ambry Genetics
Classification: Uncertain significance for Inborn genetic diseases. Last evaluated: 2025-02-09. Review status: criteria provided, single submitter. Criteria: Ambry Variant Classification Scheme 2023. Collection method: clinical testing. Allele origin: germline.
Comment: The p.P145R variant (also known as c.434C>G), located in coding exon 1 of the FANCM gene, results from a C to G substitution at nucleotide position 434. The proline at codon 145 is replaced by arginine, an amino acid with dissimilar properties. This amino acid position is conserved. In addition, the in silico prediction for this alteration is inconclusive. Based on the available evidence, the clinical significance of this variant remains unclear.

Labcorp Genetics (formerly Invitae), Labcorp
Classification: Uncertain significance for Fanconi anemia. Last evaluated: 2025-01-22. Review status: criteria provided, single submitter. Criteria: Invitae Variant Classification Sherloc (09022015). Collection method: clinical testing. Allele origin: germline.
Comment: This sequence change replaces proline, which is neutral and non-polar, with arginine, which is basic and polar, at codon 145 of the FANCM protein (p.Pro145Arg). This variant is not present in population databases (gnomAD no frequency). This variant has not been reported in the literature in individuals affected with FANCM-related conditions. An algorithm developed to predict the effect of missense changes on protein structure and function (PolyPhen-2) suggests that this variant is likely to be disruptive. In summary, the available evidence is currently insufficient to determine the role of this variant in disease. Therefore, it has been classified as a Variant of Uncertain Significance.

NM_020937.4(FANCM):c.434C>G (p.Pro145Arg)

Gene: FANCM (FA complementation group M; plus strand). Cytogenetic location: 14q21.2.
Variant type: single nucleotide variant.
Coding change: c.434C>G on transcript NM_020937.4 (MANE Select); coding-DNA position 434, C replaced by G.
Protein change: p.Pro145Arg; replaces proline 145 with arginine.
Molecular consequence: missense variant.
Genome position (GRCh38, 1-based): chr14:45,136,465, C>G. VCF-style: chr14-45136465-C-G. GRCh37 (hg19) VCF-style: chr14-45605668-C-G.
Other names: c.434C>G, p.Pro145Arg (NM_001308133.2, NM_001308134.2); short protein forms P145R.
Identifiers: ClinVar variation 3729403 (VCV003729403.3).